The following is an entry in ClinVar:

NM_005477.3(HCN4):c.2197G>A (p.Val733Ile)

Gene: HCN4 (hyperpolarization activated cyclic nucleotide gated potassium channel 4; minus strand). Cytogenetic location: 15q24.1.
Variant type: single nucleotide variant.
Coding change: c.2197G>A on transcript NM_005477.3 (MANE Select); coding-DNA position 2197, G replaced by A.
Protein change: p.Val733Ile; replaces valine 733 with isoleucine.
Molecular consequence: missense variant.
Genome position (GRCh38, 1-based): chr15:73,323,896, C>T on the plus strand (G>A on the coding strand, the complement: HCN4 is on the minus strand). VCF-style: chr15-73323896-C-T. GRCh37 (hg19) VCF-style: chr15-73616237-C-T.
Other names: short protein forms V733I.
Identifiers: ClinVar variation 222648 (VCV000222648.21), dbSNP rs376631391, ClinGen allele CA068221.

ClinVar aggregate classification (germline): Conflicting classifications of pathogenicity. Review status: criteria provided, conflicting classifications (1 of 4 stars). 7 submissions from 7 submitters: Uncertain significance (5); Likely benign (2). Last evaluated 2026-01-18.

Conditions:
Brugada syndrome 8 (BRGDA8). Identifiers: Orphanet 130, MedGen C2751083, MONDO:0013148, OMIM 613123.
Sick sinus syndrome 2, autosomal dominant (SSS2). Also called: SICK SINUS SYNDROME 2; SICK SINUS SYNDROME 2 WITH OR WITHOUT CARDIAC NONCOMPACTION AND/OR ASCENDING AORTA DILATION; ATRIAL FIBRILLATION WITH BRADYARRHYTHMIA; SINUS BRADYCARDIA SYNDROME, FAMILIAL, AUTOSOMAL DOMINANT; SINUS NODE DISEASE, FAMILIAL, AUTOSOMAL DOMINANT. Identifiers: Orphanet 166282, MedGen C1834144, MONDO:0008102, OMIM 163800.
Epilepsy, idiopathic generalized, susceptibility to, 18. Identifiers: MedGen C5561983, MONDO:0030434, OMIM 619521.
Cardiovascular phenotype. Identifiers: MedGen CN230736.

Allele frequency attached by ClinVar (database versions not stated): gnomAD 0.00004; ExAC 0.00006; ESP Exome Variant Server 0.00008; gnomAD exomes 0.00008 and 0.00010; TOPMed 0.00008; 1000 Genomes Project 30x 0.00016; 1000 Genomes Project 0.00020.

Submissions (7):

Labcorp Genetics (formerly Invitae), Labcorp
Classification: Uncertain significance for Brugada syndrome 8. Last evaluated: 2026-01-18. Review status: criteria provided, single submitter. Criteria: Invitae Variant Classification Sherloc (09022015). Collection method: clinical testing. Allele origin: germline.
Comment: This sequence change replaces valine, which is neutral and non-polar, with isoleucine, which is neutral and non-polar, at codon 733 of the HCN4 protein (p.Val733Ile). This variant is present in population databases (rs376631391, gnomAD 0.01%). This variant has not been reported in the literature in individuals affected with HCN4-related conditions. ClinVar contains an entry for this variant (Variation ID: 222648). Invitae Evidence Modeling of protein sequence and biophysical properties (such as structural, functional, and spatial information, amino acid conservation, physicochemical variation, residue mobility, and thermodynamic stability) indicates that this missense variant is not expected to disrupt HCN4 protein function with a negative predictive value of 95%. In summary, the available evidence is currently insufficient to determine the role of this variant in disease. Therefore, it has been classified as a Variant of Uncertain Significance.

Ambry Genetics
Classification: Uncertain significance for Cardiovascular phenotype. Last evaluated: 2025-11-04. Review status: criteria provided, single submitter. Criteria: Ambry Variant Classification Scheme 2023. Collection method: clinical testing. Allele origin: germline.
Comment: The p.V733I variant (also known as c.2197G>A), located in coding exon 8 of the HCN4 gene, results from a G to A substitution at nucleotide position 2197. The valine at codon 733 is replaced by isoleucine, an amino acid with highly similar properties. This amino acid position is conserved. In addition, this alteration is predicted to be tolerated by in silico analysis. Since supporting evidence is limited at this time, the clinical significance of this alteration remains unclear.

Molecular Diagnostic Laboratory for Inherited Cardiovascular Disease, Montreal Heart Institute
Classification: Likely benign. Last evaluated: 2025-04-09. Review status: criteria provided, single submitter. Criteria: ACMG Guidelines, 2015. Collection method: clinical testing. Allele origin: germline. Affected: no.
Comment: BS1, BP4, BP5

Blueprint Genetics
Classification: Likely benign. Last evaluated: 2024-05-14. Review status: criteria provided, single submitter. Criteria: ACMG Guidelines, 2015. Collection method: clinical testing. Allele origin: germline.

GeneDx
Classification: Uncertain significance. Last evaluated: 2022-10-30. Review status: criteria provided, single submitter. Criteria: GeneDx Variant Classification Process June 2021. Collection method: clinical testing. Allele origin: germline. Affected: yes.
Comment: Has not been previously published as pathogenic or benign to our knowledge; In silico analysis supports that this missense variant does not alter protein structure/function

Fulgent Genetics
Classification: Uncertain significance for Sick sinus syndrome 2, autosomal dominant; Brugada syndrome 8; Epilepsy, idiopathic generalized, susceptibility to, 18. Last evaluated: 2021-08-25. Review status: criteria provided, single submitter. Criteria: ACMG Guidelines, 2015. Collection method: clinical testing. Allele origin: unknown.

Eurofins Ntd Llc (ga)
Classification: Uncertain significance. Last evaluated: 2015-07-20. Review status: criteria provided, single submitter. Criteria: EGL Classification Definitions 2015. Collection method: clinical testing. Allele origin: germline. Observed: 1 variant allele, 1 heterozygote.